The following is an entry in ClinVar:

ClinVar aggregate classification (germline): Uncertain significance. Review status: criteria provided, multiple submitters, no conflicts (2 of 4 stars). 5 submissions from 5 submitters: Uncertain significance (4). 1 of the submissions does not count toward it. Last evaluated 2026-10-06.

Conditions:
Inborn genetic diseases. Identifiers: MedGen C0950123, MeSH D030342.
Usher syndrome type 1B (USH1B). Also called: Usher syndrome type IB. Identifiers: MedGen C1848638, MONDO:0700087.

Allele frequency attached by ClinVar (database versions not stated): gnomAD exomes 0.00004 and 0.00003; gnomAD 0.00001; ExAC 0.00003.
gnomAD v4.1: 42 of 1,612,838 alleles (0.0026%); highest among the groups gnomAD compares: South Asian, 0.042%; no homozygotes.

Submissions (5):

GeneDx
Classification: Uncertain significance. Last evaluated: 2026-10-06. Review status: criteria provided, single submitter. Criteria: GeneDx Variant Classification Process June 2021. Collection method: clinical testing. Allele origin: germline.
Comment: In silico analysis suggests that this missense variant does not alter protein structure/function; Has not been previously published as pathogenic or benign to our knowledge

Labcorp Genetics (formerly Invitae), Labcorp
Classification: Uncertain significance. Last evaluated: 2025-10-02. Review status: criteria provided, single submitter. Criteria: Invitae Variant Classification Sherloc (09022015). Collection method: clinical testing. Allele origin: germline.
Comment: This sequence change replaces glutamic acid, which is acidic and polar, with lysine, which is basic and polar, at codon 1093 of the MYO7A protein (p.Glu1093Lys). This variant is present in population databases (rs782403609, gnomAD 0.04%). This variant has not been reported in the literature in individuals affected with MYO7A-related conditions. ClinVar contains an entry for this variant (Variation ID: 1200950). Invitae Evidence Modeling of protein sequence and biophysical properties (such as structural, functional, and spatial information, amino acid conservation, physicochemical variation, residue mobility, and thermodynamic stability) indicates that this missense variant is not expected to disrupt MYO7A protein function with a negative predictive value of 95%. In summary, the available evidence is currently insufficient to determine the role of this variant in disease. Therefore, it has been classified as a Variant of Uncertain Significance.

Ambry Genetics
Classification: Uncertain significance for Inborn genetic diseases. Last evaluated: 2025-02-26. Review status: criteria provided, single submitter. Criteria: Ambry Variant Classification Scheme 2023. Collection method: clinical testing. Allele origin: germline.

Blueprint Genetics
Classification: Uncertain significance. Last evaluated: 2022-09-06. Review status: criteria provided, single submitter. Criteria: ACMG Guidelines, 2015. Collection method: clinical testing. Allele origin: germline.

Natera, Inc.
Classification: Uncertain significance for Usher syndrome type 1B. Last evaluated: 2020-02-26. Review status: no assertion criteria provided. Collection method: clinical testing. Allele origin: germline. Not counted in ClinVar's aggregate classification.

NM_000260.4(MYO7A):c.3277G>A (p.Glu1093Lys)

Gene: MYO7A (myosin VIIA; plus strand). Cytogenetic location: 11q13.5.
Variant type: single nucleotide variant.
Coding change: c.3277G>A on transcript NM_000260.4 (MANE Select); coding-DNA position 3277, G replaced by A.
Protein change: p.Glu1093Lys; replaces glutamic acid 1093 with lysine.
Molecular consequence: missense variant.
Genome position (GRCh38, 1-based): chr11:77,182,592, G>A. VCF-style: chr11-77182592-G-A. GRCh37 (hg19) VCF-style: chr11-76893637-G-A.
Other names: c.3277G>A, p.Glu1093Lys (NM_001127180.2); c.3244G>A, p.Glu1082Lys (NM_001369365.1); short protein forms E1082K, E1093K.
Identifiers: ClinVar variation 1200950 (VCV001200950.10), dbSNP rs782403609, ClinGen allele CA6198017.